The following is an entry in ClinVar:

ClinVar aggregate classification (germline): Uncertain significance (1 of 4 stars; one submission).

Conditions:
Primary familial hypertrophic cardiomyopathy (HCM). Identifiers: Orphanet 99739, MedGen C0949658, MeSH D024741, MONDO:0024573. Inheritance: Various modes of inheritance.
Dilated cardiomyopathy 1AA (CMD1AA). Also called: CARDIOMYOPATHY, DILATED, 1AA, WITH OR WITHOUT LEFT VENTRICULAR NONCOMPACTION; CARDIOMYOPATHY, FAMILIAL HYPERTROPHIC, 23, WITH OR WITHOUT LEFT VENTRICULAR NONCOMPACTION; Cardiomyopathy, dilated, 1AA, with or without LVNC. Identifiers: Orphanet 154, MedGen C2677338, MONDO:0012808, OMIM 612158.

Submission:

Labcorp Genetics (formerly Invitae), Labcorp
Classification: Uncertain significance for Primary familial hypertrophic cardiomyopathy; Dilated cardiomyopathy 1AA. Last evaluated: 2023-07-24. Review status: criteria provided, single submitter. Criteria: Invitae Variant Classification Sherloc (09022015). Collection method: clinical testing. Allele origin: germline.
Comment: This sequence change replaces histidine, which is basic and polar, with arginine, which is basic and polar, at codon 474 of the ACTN2 protein (p.His474Arg). This variant is not present in population databases (gnomAD no frequency). This variant has not been reported in the literature in individuals affected with ACTN2-related conditions. Advanced modeling of protein sequence and biophysical properties (such as structural, functional, and spatial information, amino acid conservation, physicochemical variation, residue mobility, and thermodynamic stability) performed at Invitae indicates that this missense variant is not expected to disrupt ACTN2 protein function. In summary, the available evidence is currently insufficient to determine the role of this variant in disease. Therefore, it has been classified as a Variant of Uncertain Significance.

NM_001103.4(ACTN2):c.1421A>G (p.His474Arg)

Gene: ACTN2 (actinin alpha 2; plus strand). Cytogenetic location: 1q43.
Variant type: single nucleotide variant.
Coding change: c.1421A>G on transcript NM_001103.4 (MANE Select); coding-DNA position 1421, A replaced by G.
Protein change: p.His474Arg; replaces histidine 474 with arginine.
Molecular consequence: missense variant. On other transcripts: non-coding transcript variant (1).
Genome position (GRCh38, 1-based): chr1:236,747,681, A>G. VCF-style: chr1-236747681-A-G. GRCh37 (hg19) VCF-style: chr1-236910981-A-G.
Other names: c.1421A>G, p.His474Arg (NM_001278343.2); c.797A>G, p.His266Arg (NM_001278344.2); c.671A>G, p.His224Arg (NM_001412150.1); short protein forms H266R, H224R, H474R.
Identifiers: ClinVar variation 2950213 (VCV002950213.3), dbSNP rs2527623537, ClinGen allele CA345383773.
Genomic context (GRCh38, chr1:236,747,681, plus strand): 5'-TCATCATCTGGGAAAGTTAATCTTTATTTATTTTCACTTTTAATAGTGAACTGGACTATC[A>G]CGACGCTGTGAATGTCAATGATCGGTGCCAGAAAATTTGTGACCAGTGGGACCGACTGGG-3'
Protein context (NP_001094.1, residues 464-484): IAQELNELDY[His474Arg]DAVNVNDRCQ